The following is an entry in ClinVar:

ClinVar aggregate classification (germline): Likely pathogenic. Review status: criteria provided, multiple submitters, no conflicts (2 of 4 stars). 3 submissions from 3 submitters: Likely pathogenic (2). 1 of the submissions does not count toward it. Last evaluated 2024-12-23.

Conditions:
Intellectual developmental disorder, autosomal dominant 58. Also called: MENTAL RETARDATION, AUTOSOMAL DOMINANT 58; Intellectual disability, autosomal dominant 58. Identifiers: MedGen C4748195, MONDO:0020847, OMIM 618106.

Submissions (3):

3billion
Classification: Likely pathogenic for Intellectual developmental disorder, autosomal dominant 58. Last evaluated: 2024-12-23. Review status: criteria provided, single submitter. Criteria: ACMG Guidelines, 2015. Collection method: clinical testing. Allele origin: germline. Affected: yes.
Comment: The variant is not observed in the gnomAD v4.1.0 dataset. Predicted Consequence/Location: Missense variant. The majority of the known disease-causing variants of this gene are variants expected to result in premature termination of the protein. In silico tool predictions suggest damaging effect of the variant on gene or gene product [3Cnet: 0.86 (>=0.6, sensitivity 0.72 and precision 0.9)]. The same nucleotide change resulting in the same amino acid change has been previously reported to be associated with SET-related disorder (ClinVar ID: VCV000560207 /PMID: 29688601). The variant has been previously reported as de novo in a similarly affected individual (PMID: 29688601). Therefore, this variant is classified as Likely pathogenic according to the recommendation of ACMG/AMP guideline.

CeGaT Center for Human Genetics Tuebingen
Classification: Likely pathogenic. Last evaluated: 2021-11-01. Review status: criteria provided, single submitter. Criteria: CeGaT Center For Human Genetics Tuebingen Variant Classification Criteria Version 2. Collection method: clinical testing. Allele origin: germline. Affected: yes. Observed: 2 variant alleles.

OMIM
Classification: Pathogenic for INTELLECTUAL DEVELOPMENTAL DISORDER, AUTOSOMAL DOMINANT 58. Last evaluated: 2022-04-29. Review status: no assertion criteria provided. Collection method: literature only. Allele origin: germline. Not counted in ClinVar's aggregate classification.

Literature cited by the submitters: PubMed 29688601 (cited by 3billion and OMIM).

NM_003011.4(SET):c.313C>T (p.His105Tyr)

Gene: SET (SET nuclear proto-oncogene; plus strand). Cytogenetic location: 9q34.11.
Variant type: single nucleotide variant.
Coding change: c.313C>T on transcript NM_003011.4 (MANE Select); coding-DNA position 313, C replaced by T.
Protein change: p.His105Tyr; replaces histidine 105 with tyrosine.
Molecular consequence: missense variant.
Genome position (GRCh38, 1-based): chr9:128,692,700, C>T. VCF-style: chr9-128692700-C-T. GRCh37 (hg19) VCF-style: chr9-131454979-C-T.
Other names: c.352C>T, p.His118Tyr (NM_001122821.2, NM_001374326.1); c.286C>T, p.His96Tyr (NM_001248000.2); c.280C>T, p.His94Tyr (NM_001248001.2); short protein forms H118Y, H105Y, H96Y, H94Y.
Identifiers: ClinVar variation 560207 (VCV000560207.37), dbSNP rs1564360978, ClinGen allele CA375059626.